The following is an entry in ClinVar:

NM_000145.4(FSHR):c.1862C>T (p.Ala621Val)

Gene: FSHR (follicle stimulating hormone receptor; minus strand). Cytogenetic location: 2p16.3.
Variant type: single nucleotide variant.
Coding change: c.1862C>T on transcript NM_000145.4 (MANE Select); coding-DNA position 1862, C replaced by T.
Protein change: p.Ala621Val; replaces alanine 621 with valine.
Molecular consequence: missense variant.
Genome position (GRCh38, 1-based): chr2:48,962,959, G>A on the plus strand (C>T on the coding strand, the complement: FSHR is on the minus strand). VCF-style: chr2-48962959-G-A. GRCh37 (hg19) VCF-style: chr2-49190098-G-A.
Other names: c.1784C>T, p.Ala595Val (NM_181446.3); short protein forms A595V, A621V.
Identifiers: ClinVar variation 996018 (VCV000996018.3), dbSNP rs1674297842, ClinGen allele CA346766737.
Genomic context (GRCh38, chr2:48,962,959, plus strand): 5'-AGCAGAATGAAGAAATCTCTGCGAAAGTTTTTGGTAAAGATGGCATAGAGGAAGGGGTTG[G>A]CACAGGAGTTGATGGGGTGAAACAGAACCAGCAGAATCTTTGCTTTGGACACAGTGATGA-3'
Protein context (NP_000136.2, residues 611-631): LVLFHPINSC[Ala621Val]NPFLYAIFTK

ClinVar aggregate classification (germline): Likely pathogenic (1 of 4 stars; one submission).

Conditions:
Ovarian dysgenesis 1 (ODG1). Also called: OVARIAN DYSGENESIS, HYPERGONADOTROPIC, AUTOSOMAL RECESSIVE; OVARIAN DYSGENESIS, HYPERGONADOTROPIC, WITH NORMAL KARYOTYPE; OVARIAN FAILURE, HYPERGONADOTROPIC; Gonadal dysgenesis XX type deafness; GONADAL DYSGENESIS, XX TYPE. Identifiers: Orphanet 243, MedGen C0949595, MONDO:0024463, OMIM 233300.

Submission:

Department of Reproductive Endocrinology, Zhejiang Provincial People's Hospital
Classification: Likely pathogenic for Ovarian dysgenesis 1. Last evaluated: 2020-10-01. Review status: criteria provided, single submitter. Criteria: ACMG Guidelines, 2015. Collection method: clinical testing, in vitro. Allele origin: maternal, paternal, not applicable. Inheritance: Autosomal recessive inheritance. Affected: yes. Observed: 2 compound heterozygotes. Clinical features observed: Premature ovarian insufficiency (HP:0008209), Hypergonadotropic hypogonadism (HP:0000815). Functional consequence: variation affecting protein function, effect on protein recognition. Segregation with disease not observed.
Comment: FSHR is highly expressed in Granulosa cells and is tightly associated with regulation of follicle development in response to FSH stimulation. Structurally alterations in FSHR may lead to inactivaion of the receptor and cause primary ovarian insufficiency (POI).

Literature cited by the submitters: PubMed 7553856; PubMed 9769327; PubMed 30691934; PubMed 31830376; PubMed 29157895.